The following is an entry in ClinVar:

ClinVar aggregate classification (germline): Uncertain significance. Review status: criteria provided, multiple submitters, no conflicts (2 of 4 stars). 2 submissions from 2 submitters: Uncertain significance (2). Last evaluated 2024-10-23.

Allele frequency attached by ClinVar (database versions not stated): gnomAD 0.00007; ESP Exome Variant Server 0.00008; TOPMed 0.00008; 1000 Genomes Project 30x 0.00016; 1000 Genomes Project 0.00020.

Submissions (2):

Blueprint Genetics
Classification: Uncertain significance. Last evaluated: 2024-10-23. Review status: criteria provided, single submitter. Criteria: ACMG Guidelines, 2015. Collection method: clinical testing. Allele origin: germline.

Labcorp Genetics (formerly Invitae), Labcorp
Classification: Uncertain significance. Last evaluated: 2023-04-05. Review status: criteria provided, single submitter. Criteria: Invitae Variant Classification Sherloc (09022015). Collection method: clinical testing. Allele origin: germline.
Comment: In summary, the available evidence is currently insufficient to determine the role of this variant in disease. Therefore, it has been classified as a Variant of Uncertain Significance. Experimental studies have shown that this missense change affects C2 function (PMID: 32113979). An algorithm developed to predict the effect of missense changes on protein structure and function (PolyPhen-2) suggests that this variant is likely to be disruptive. ClinVar contains an entry for this variant (Variation ID: 2176552). This missense change has been observed in individual(s) with atypical hemolytic uremic syndrome (PMID: 32113979). This variant is present in population databases (rs370121006, gnomAD 0.01%). This sequence change replaces arginine, which is basic and polar, with cysteine, which is neutral and slightly polar, at codon 243 of the C2 protein (p.Arg243Cys).

Literature cited by the submitters: PubMed 32113979 (cited by Labcorp Genetics (formerly Invitae), Labcorp).

NM_000063.6(C2):c.727C>T (p.Arg243Cys)

Gene: C2 (complement C2; plus strand). Cytogenetic location: 6p21.33.
Variant type: single nucleotide variant.
Coding change: c.727C>T on transcript NM_000063.6 (MANE Select); coding-DNA position 727, C replaced by T.
Protein change: p.Arg243Cys; replaces arginine 243 with cysteine.
Molecular consequence: missense variant. On other transcripts: intron variant (2).
Genome position (GRCh38, 1-based): chr6:31,934,177, C>T. VCF-style: chr6-31934177-C-T. GRCh37 (hg19) VCF-style: chr6-31901954-C-T.
Other names: c.331C>T, p.Arg111Cys (NM_001145903.3); c.640C>T, p.Arg214Cys (NM_001282458.2); c.727C>T, p.Arg243Cys (NM_001282459.2); c.111+394C>T (NM_001282457.2); c.346+212C>T (NM_001178063.3); short protein forms R111C, R243C, R214C.
Identifiers: ClinVar variation 2176552 (VCV002176552.3), dbSNP rs370121006, ClinGen allele CA3727501.
Genomic context (GRCh38, chr6:31,934,177, plus strand): 5'-CGCAGGAAGGAGGTGGGGATCTGAATCCTCCCCTTCCACATTTCTCCAGAAAGCCTGGGC[C>T]GTAAAATCCAAATCCAGCGCTCTGGTCATCTGAACCTCTACCTGCTCCTGGACTGTTCGC-3'
Protein context (NP_000054.2, residues 233-253): PTQKTKESLG[Arg243Cys]KIQIQRSGHL